The following is an entry in ClinVar:

NM_177438.3(DICER1):c.3700G>C (p.Glu1234Gln)

Gene: DICER1 (dicer 1, ribonuclease III; minus strand). Cytogenetic location: 14q32.13.
Variant type: single nucleotide variant.
Coding change: c.3700G>C on transcript NM_177438.3 (MANE Select); coding-DNA position 3700, G replaced by C.
Protein change: p.Glu1234Gln; replaces glutamic acid 1234 with glutamine.
Molecular consequence: missense variant.
Genome position (GRCh38, 1-based): chr14:95,103,696, C>G on the plus strand (G>C on the coding strand, the complement: DICER1 is on the minus strand). VCF-style: chr14-95103696-C-G. GRCh37 (hg19) VCF-style: chr14-95570033-C-G.
Other names: c.3700G>C, p.Glu1234Gln (NM_001195573.1, NM_001271282.3, NM_001291628.2 and 1 more transcripts); short protein forms E1234Q.
Identifiers: ClinVar variation 1354033 (VCV001354033.7), dbSNP rs2139961615, ClinGen allele CA390874295.

ClinVar aggregate classification (germline): Uncertain significance (1 of 4 stars; one submission).

Conditions:
DICER1-related tumor predisposition. Also called: DICER1 syndrome; DICER1-related pleuropulmonary blastoma cancer predisposition syndrome. Identifiers: Orphanet 284343, MedGen C3839822, MONDO:0100216.

Submission:

Labcorp Genetics (formerly Invitae), Labcorp
Classification: Uncertain significance for DICER1-related tumor predisposition. Last evaluated: 2021-09-21. Review status: criteria provided, single submitter. Criteria: Invitae Variant Classification Sherloc (09022015). Collection method: clinical testing. Allele origin: germline.
Comment: This variant has not been reported in the literature in individuals affected with DICER1-related conditions. In summary, the available evidence is currently insufficient to determine the role of this variant in disease. Therefore, it has been classified as a Variant of Uncertain Significance. Algorithms developed to predict the effect of missense changes on protein structure and function are either unavailable or do not agree on the potential impact of this missense change (SIFT: "Tolerated"; PolyPhen-2: "Possibly Damaging"; Align-GVGD: "Class C0"). This variant is not present in population databases (ExAC no frequency). This sequence change replaces glutamic acid with glutamine at codon 1234 of the DICER1 protein (p.Glu1234Gln). The glutamic acid residue is highly conserved and there is a small physicochemical difference between glutamic acid and glutamine.